The following is an entry in ClinVar:

NM_001384140.1(PCDH15):c.2039G>A (p.Ser680Asn)

Gene: PCDH15 (protocadherin related 15; minus strand). Cytogenetic location: 10q21.1.
Variant type: single nucleotide variant.
Coding change: c.2039G>A on transcript NM_001384140.1 (MANE Select); coding-DNA position 2039, G replaced by A.
Protein change: p.Ser680Asn; replaces serine 680 with asparagine.
Molecular consequence: missense variant.
Genome position (GRCh38, 1-based): chr10:54,079,383, C>T on the plus strand (G>A on the coding strand, the complement: PCDH15 is on the minus strand). VCF-style: chr10-54079383-C-T. GRCh37 (hg19) VCF-style: chr10-55839143-C-T.
Other names: c.2054G>A, p.Ser685Asn (NM_001142763.2, NM_001142771.2); c.2039G>A, p.Ser680Asn (NM_001142764.2, NM_001142766.2, NM_001142770.3 and 5 more transcripts); c.1826G>A, p.Ser609Asn (NM_001142765.2); c.1928G>A, p.Ser643Asn (NM_001142767.2); c.1973G>A, p.Ser658Asn (NM_001142768.2, NM_001142773.2, NM_001354404.2); c.2075G>A, p.Ser692Asn (NM_001142769.4); c.2060G>A, p.Ser687Asn (NM_001354411.2); short protein forms S687N, S609N, S643N, S680N, S658N, S685N, S692N.
Identifiers: ClinVar variation 1369232 (VCV001369232.6), dbSNP rs762818138, ClinGen allele CA5506150.

ClinVar aggregate classification (germline): Uncertain significance (1 of 4 stars; one submission).

Allele frequency attached by ClinVar (database versions not stated): gnomAD exomes below 0.00001; TOPMed below 0.00001; ExAC 0.00001.
gnomAD v4.1: 1 of 1,614,116 alleles (0.000062%); highest among the groups gnomAD compares: Non-Finnish European, 0.000085%; no homozygotes.

Submission:

Labcorp Genetics (formerly Invitae), Labcorp
Classification: Uncertain significance. Last evaluated: 2024-10-16. Review status: criteria provided, single submitter. Criteria: Invitae Variant Classification Sherloc (09022015). Collection method: clinical testing. Allele origin: germline.
Comment: This sequence change replaces serine, which is neutral and polar, with asparagine, which is neutral and polar, at codon 680 of the PCDH15 protein (p.Ser680Asn). This variant is present in population databases (rs762818138, gnomAD 0.0009%). This variant has not been reported in the literature in individuals affected with PCDH15-related conditions. ClinVar contains an entry for this variant (Variation ID: 1369232). Invitae Evidence Modeling of protein sequence and biophysical properties (such as structural, functional, and spatial information, amino acid conservation, physicochemical variation, residue mobility, and thermodynamic stability) indicates that this missense variant is not expected to disrupt PCDH15 protein function with a negative predictive value of 95%. In summary, the available evidence is currently insufficient to determine the role of this variant in disease. Therefore, it has been classified as a Variant of Uncertain Significance.